The following is an entry in ClinVar:

ClinVar aggregate classification (germline): Uncertain significance (1 of 4 stars; one submission).

Conditions:
Mendelian susceptibility to mycobacterial diseases due to complete IL12B deficiency. Also called: IL12B DEFICIENCY; Immunodeficiency 29. Identifiers: Orphanet 319558, MedGen C4013948, MONDO:0013954, OMIM 614890.

Submission:

Labcorp Genetics (formerly Invitae), Labcorp
Classification: Uncertain significance for Mendelian susceptibility to mycobacterial diseases due to complete IL12B deficiency. Last evaluated: 2021-10-22. Review status: criteria provided, single submitter. Criteria: Invitae Variant Classification Sherloc (09022015). Collection method: clinical testing. Allele origin: germline.
Comment: This variant is not present in population databases (gnomAD no frequency). In summary, the available evidence is currently insufficient to determine the role of this variant in disease. Therefore, it has been classified as a Variant of Uncertain Significance. Algorithms developed to predict the effect of sequence changes on RNA splicing suggest that this variant may create or strengthen a splice site. Algorithms developed to predict the effect of missense changes on protein structure and function output the following: SIFT: "Tolerated"; PolyPhen-2: "Benign"; Align-GVGD: "Class C0". The serine amino acid residue is found in multiple mammalian species, which suggests that this missense change does not adversely affect protein function. This variant has not been reported in the literature in individuals affected with IL12B-related conditions. This sequence change replaces asparagine, which is neutral and polar, with serine, which is neutral and polar, at codon 125 of the IL12B protein (p.Asn125Ser).

NM_002187.3(IL12B):c.374A>G (p.Asn125Ser)

Gene: IL12B (interleukin 12B; minus strand). Cytogenetic location: 5q33.3.
Variant type: single nucleotide variant.
Coding change: c.374A>G on transcript NM_002187.3 (MANE Select); coding-DNA position 374, A replaced by G.
Protein change: p.Asn125Ser; replaces asparagine 125 with serine.
Molecular consequence: missense variant.
Genome position (GRCh38, 1-based): chr5:159,322,502, T>C on the plus strand (A>G on the coding strand, the complement: IL12B is on the minus strand). VCF-style: chr5-159322502-T-C. GRCh37 (hg19) VCF-style: chr5-158749510-T-C.
Other names: short protein forms N125S.
Identifiers: ClinVar variation 1388535 (VCV001388535.6), dbSNP rs1161325734, ClinGen allele CA362034486.
Genomic context (GRCh38, chr5:159,322,502, plus strand): 5'-AGCCACCAGCAGGTGAAACGTCCAGAATAATTCTTGGCCTCGCATCTTAGAAAGGTCTTA[T>C]TTTTGGGTTCTGGATTTGAAAAAAACAAAAATTCAATATTTAGGAGTTTTTTGCAGAAAG-3'
Protein context (NP_002178.2, residues 115-135): DILKDQKEPK[Asn125Ser]KTFLRCEAKN